The following is an entry in ClinVar:

ClinVar aggregate classification (germline): Uncertain significance (1 of 4 stars; one submission).

gnomAD v4.1: 20 of 1,613,224 alleles (0.0012%); highest among the groups gnomAD compares: Non-Finnish European, 0.0017%; no homozygotes.

Submission:

Women's Health and Genetics/Laboratory Corporation of America, LabCorp
Classification: Uncertain significance. Last evaluated: 2025-04-04. Review status: criteria provided, single submitter. Criteria: LabCorp Variant Classification Summary - May 2015. Collection method: clinical testing. Allele origin: germline.
Comment: Variant summary: FGFR1 c.-33G>A is located in the untranslated mRNA region upstream of the initiation codon. The variant allele was found at a frequency of 2e-05 in 248526 control chromosomes. The available data on variant occurrences in the general population are insufficient to allow any conclusion about variant significance. To our knowledge, no occurrence of c.-33G>A in individuals affected with FGFR1-Related Disorders and no experimental evidence demonstrating its impact on protein function have been reported. No submitters have cited clinical-significance assessments for this variant to ClinVar. Based on the evidence outlined above, the variant was classified as uncertain significance.

NM_023110.3(FGFR1):c.-33G>A

Gene: FGFR1 (fibroblast growth factor receptor 1; minus strand). Cytogenetic location: 8p11.23.
Variant type: single nucleotide variant.
Coding change: c.-33G>A on transcript NM_023110.3 (MANE Select); 33 bases upstream of the start codon, G replaced by A.
Molecular consequence: 5 prime UTR variant. On other transcripts: missense variant (1).
Genome position (GRCh38, 1-based): chr8:38,457,479, C>T on the plus strand (G>A on the coding strand, the complement: FGFR1 is on the minus strand). VCF-style: chr8-38457479-C-T. GRCh37 (hg19) VCF-style: chr8-38314997-C-T.
Other names: c.-33G>A (NM_001174063.2, NM_001174065.2, NM_001174066.2 and 8 more transcripts); c.-125G>A (NM_001174064.2); c.67G>A, p.Ala23Thr (NM_001174067.2); short protein forms A23T.
Identifiers: ClinVar variation 3896487 (VCV003896487.2).